The following is an entry in ClinVar:

ClinVar aggregate classification (germline): Uncertain significance (1 of 4 stars; one submission).

Submission:

Labcorp Genetics (formerly Invitae), Labcorp
Classification: Uncertain significance. Last evaluated: 2024-08-09. Review status: criteria provided, single submitter. Criteria: Invitae Variant Classification Sherloc (09022015). Collection method: clinical testing. Allele origin: germline.
Comment: This sequence change replaces glutamine, which is neutral and polar, with leucine, which is neutral and non-polar, at codon 64 of the RUNX2 protein (p.Gln64Leu). This variant is not present in population databases (gnomAD no frequency). This variant has not been reported in the literature in individuals affected with RUNX2-related conditions. An algorithm developed to predict the effect of missense changes on protein structure and function (PolyPhen-2) suggests that this variant is likely to be tolerated. In summary, the available evidence is currently insufficient to determine the role of this variant in disease. Therefore, it has been classified as a Variant of Uncertain Significance.

NM_001024630.4(RUNX2):c.191A>T (p.Gln64Leu)

Genes: RUNX2 (RUNX family transcription factor 2; plus strand), LOC109611589 (runt related transcription factor 2 polyalanine expansion region; plus strand). Cytogenetic location: 6p21.1.
Variant type: single nucleotide variant.
Coding change: c.191A>T on transcript NM_001024630.4 (MANE Select); coding-DNA position 191, A replaced by T.
Protein change: p.Gln64Leu; replaces glutamine 64 with leucine.
Molecular consequence: missense variant.
Genome position (GRCh38, 1-based): chr6:45,422,725, A>T. VCF-style: chr6-45422725-A-T. GRCh37 (hg19) VCF-style: chr6-45390462-A-T.
Other names: c.191A>T, p.Gln64Leu (NM_001015051.4); c.149A>T, p.Gln50Leu (NM_001278478.2, NM_001369405.1); short protein forms Q64L, Q50L.
Identifiers: ClinVar variation 3661853 (VCV003661853.2).
Genomic context (GRCh38, chr6:45,422,725, plus strand): 5'-CGGTGGTGGCTGCGCAACAGCAGCAGCAACAGCAGCAGCAGCAACAGCAGCAGCAGCAGC[A>T]GCAACAGCAGCAGCAGCAGCAGGAGGCGGCGGCGGCGGCTGCGGCGGCGGCGGCGGCTGC-3'
Protein context (NP_001019801.3, residues 54-74): QQQQQQQQQQ[Gln64Leu]QQQQQQQEAA